The following is an entry in ClinVar:

NM_007294.4(BRCA1):c.1568del (p.Leu523fs)

Gene: BRCA1 (BRCA1 DNA repair associated; minus strand). Cytogenetic location: 17q21.31.
Variant type: Deletion.
Coding change: c.1568del on transcript NM_007294.4 (MANE Select); coding-DNA position 1568, one base deleted (T; older notation c.1568delT).
Protein change: p.Leu523fs; shifts the reading frame from leucine 523.
Molecular consequence: frameshift variant. On other transcripts: intron variant (137).
Genome position (GRCh38, 1-based): chr17:43,093,963, A deleted on the plus strand (T on the coding strand, the reverse complement: BRCA1 is on the minus strand); the first of 3 consecutive A bases (chr17:43,093,963-43,093,965); deleting any one gives the same sequence. VCF-style (leftmost placement, unchanged base first): chr17-43093962-CA-C. GRCh37 (hg19) VCF-style: chr17-41245979-CA-C.
Other names: L523Wfs; c.1568delT (NM_007294.3); c.1355del, p.Leu452fs (NM_001407571.1, NM_001407853.1, NM_001407894.1 and 9 more transcripts); c.1568del, p.Leu523fs (NM_001407581.1, NM_001407582.1, NM_001407583.1 and 30 more transcripts); c.1565del, p.Leu522fs (NM_001407610.1, NM_001407611.1, NM_001407612.1 and 22 more transcripts); c.1559del, p.Leu520fs (NM_001407646.1, NM_001407647.1); c.1445del, p.Leu482fs (NM_001407648.1, NM_001407664.1, NM_001407665.1 and 19 more transcripts); c.1442del, p.Leu481fs (NM_001407649.1, NM_001407670.1, NM_001407671.1 and 11 more transcripts); and 42 more; short protein forms L476fs, L523fs, L227fs, L355fs, L395fs, L396fs, L411fs, L412fs.
Identifiers: ClinVar variation 522623 (VCV000522623.11), dbSNP rs1555591543, ClinGen allele CA658798842.

ClinVar aggregate classification (germline): Pathogenic. Review status: criteria provided, multiple submitters, no conflicts (2 of 4 stars). 4 submissions from 4 submitters: Pathogenic (2). 2 of the submissions do not count toward it. Last evaluated 2025-08-07.

Conditions:
Breast-ovarian cancer, familial, susceptibility to, 2 (BROVCA2). Also called: BRCA2 Hereditary Breast and Ovarian Cancer. Identifiers: Orphanet 145, MedGen C2675520, MONDO:0012933, OMIM 612555. Disease mechanism: loss of function.
Hereditary cancer-predisposing syndrome. Also called: Tumor predisposition; Hereditary Cancer Syndrome; Hereditary neoplastic syndrome; Neoplastic Syndromes, Hereditary. Identifiers: Orphanet 140162, MedGen C0027672, MeSH D009386, MONDO:0015356.
Breast-ovarian cancer, familial, susceptibility to, 1 (BROVCA1). Also called: BRCA1 Hereditary Breast and Ovarian Cancer; OVARIAN CANCER, SUSCEPTIBILITY TO. Identifiers: Orphanet 145, MedGen C2676676, MONDO:0011450, OMIM 604370. Disease mechanism: loss of function.

Submissions (4):

Ambry Genetics
Classification: Pathogenic for Hereditary cancer-predisposing syndrome. Last evaluated: 2025-08-07. Review status: criteria provided, single submitter. Criteria: Ambry Variant Classification Scheme 2023. Collection method: clinical testing. Allele origin: germline.
Comment: The c.1568delT pathogenic mutation, located in coding exon 9 of the BRCA1 gene, results from a deletion of one nucleotide at nucleotide position 1568, causing a translational frameshift with a predicted alternate stop codon (p.L523Wfs*9). This mutation has been reported in a cohort of 254 Iranian women with a personal history of breast and/or ovarian cancer suggestive of HBOC (Yassaee VR et al. Asian Pac. J. Cancer Prev., 2016;17:149-53) as well as in 1/273 breast cancer patients from Sweden (Winter C et al. Ann. Oncol., 2016 08;27:1532-8). This variant is considered to be rare based on population cohorts in the Genome Aggregation Database (gnomAD). This alteration is expected to result in loss of function by premature protein truncation or nonsense-mediated mRNA decay. As such, this alteration is interpreted as a disease-causing mutation.

Genomic Research Center, Shahid Beheshti University of Medical Sciences
Classification: Pathogenic for Breast-ovarian cancer, familial, susceptibility to, 1. Last evaluated: 2017-12-03. Review status: criteria provided, single submitter. Criteria: ACMG Guidelines, 2015. Collection method: clinical testing. Allele origin: inherited. Affected: yes.

BRCAlab, Lund University
Classification: Pathogenic for Breast-ovarian cancer, familial, susceptibility to, 1. Last evaluated: 2020-03-02. Review status: no assertion criteria provided. Collection method: clinical testing. Allele origin: germline. Affected: yes. Not counted in ClinVar's aggregate classification.

Academic Center for Education, Culture and Research, Motamed Cancer Institute
Classification: Pathogenic for Breast-ovarian cancer, familial, susceptibility to, 2. Last evaluated: 2019-05-21. Review status: no assertion criteria provided. Collection method: clinical testing. Allele origin: germline. Inheritance: Autosomal dominant inheritance. Affected: yes. Observed: 2 heterozygotes. Not counted in ClinVar's aggregate classification.

Literature cited by the submitters: PubMed 27165220 (cited by Ambry Genetics); PubMed 27194814 (cited by Ambry Genetics).